The following is an entry in ClinVar:

ClinVar aggregate classification (germline): Uncertain significance (1 of 4 stars; one submission).

Allele frequency attached by ClinVar (database versions not stated): TOPMed 0.00001; gnomAD exomes 0.00002; gnomAD 0.00003.

Submission:

Labcorp Genetics (formerly Invitae), Labcorp
Classification: Uncertain significance. Last evaluated: 2022-02-25. Review status: criteria provided, single submitter. Criteria: Invitae Variant Classification Sherloc (09022015). Collection method: clinical testing. Allele origin: germline.
Comment: Algorithms developed to predict the effect of missense changes on protein structure and function output the following: SIFT: "Not Available"; PolyPhen-2: "Benign"; Align-GVGD: "Not Available". The alanine amino acid residue is found in multiple mammalian species, which suggests that this missense change does not adversely affect protein function. In summary, the available evidence is currently insufficient to determine the role of this variant in disease. Therefore, it has been classified as a Variant of Uncertain Significance. This sequence change replaces aspartic acid, which is acidic and polar, with alanine, which is neutral and non-polar, at codon 134 of the TRAPPC12 protein (p.Asp134Ala). This variant is present in population databases (no rsID available, gnomAD 0.01%). This variant has not been reported in the literature in individuals affected with TRAPPC12-related conditions.

NM_016030.6(TRAPPC12):c.401A>C (p.Asp134Ala)

Gene: TRAPPC12 (trafficking protein particle complex subunit 12; plus strand). Cytogenetic location: 2p25.3.
Variant type: single nucleotide variant.
Coding change: c.401A>C on transcript NM_016030.6 (MANE Select); coding-DNA position 401, A replaced by C.
Protein change: p.Asp134Ala; replaces aspartic acid 134 with alanine.
Molecular consequence: missense variant.
Genome position (GRCh38, 1-based): chr2:3,388,024, A>C. VCF-style: chr2-3388024-A-C. GRCh37 (hg19) VCF-style: chr2-3391795-A-C.
Other names: c.401A>C, p.Asp134Ala (NM_001321102.2); short protein forms D134A.
Identifiers: ClinVar variation 1923862 (VCV001923862.5), dbSNP rs1309817335, ClinGen allele CA345739347.